The following is an entry in ClinVar:

NM_000038.6(APC):c.1779G>A (p.Trp593Ter)

Gene: APC (APC regulator of Wnt signaling pathway; plus strand). Cytogenetic location: 5q22.2.
Variant type: single nucleotide variant.
Coding change: c.1779G>A on transcript NM_000038.6 (MANE Select); coding-DNA position 1779, G replaced by A.
Protein change: p.Trp593Ter; replaces tryptophan 593 with a stop codon.
Molecular consequence: nonsense.
Genome position (GRCh38, 1-based): chr5:112,834,986, G>A. VCF-style: chr5-112834986-G-A. GRCh37 (hg19) VCF-style: chr5-112170683-G-A.
Other names: c.1779G>A, p.Trp593Ter (NM_001127510.3, NM_001354895.2); c.1725G>A, p.Trp575Ter (NM_001127511.3); c.1833G>A, p.Trp611Ter (NM_001354896.2); c.1809G>A, p.Trp603Ter (NM_001354897.2); c.1704G>A, p.Trp568Ter (NM_001354898.2); c.1695G>A, p.Trp565Ter (NM_001354899.2); c.1656G>A, p.Trp552Ter (NM_001354900.2); c.1602G>A, p.Trp534Ter (NM_001354901.2); and 5 more; short protein forms W575*, W593*, W502*, W534*, W565*, W568*, W310*, W467*.
Identifiers: ClinVar variation 433627 (VCV000433627.19), dbSNP rs1554083132, ClinGen allele CA16025206.

ClinVar aggregate classification (germline): Pathogenic. Review status: criteria provided, multiple submitters, no conflicts (2 of 4 stars). 6 submissions from 6 submitters: Pathogenic (5). 1 of the submissions does not count toward it. Last evaluated 2023-05-03.

Conditions:
Familial adenomatous polyposis 1 (FAP1). Also called: FAMILIAL ADENOMATOUS POLYPOSIS 1, ATTENUATED; POLYPOSIS, ADENOMATOUS INTESTINAL. Identifiers: MedGen C2713442, MONDO:0021056, OMIM 175100. Disease mechanism: loss of function.
Gastric adenocarcinoma and proximal polyposis of the stomach (GAPPS). Also called: POLYPOSIS, GASTRIC; Gastric Adenocarcinoma and Proximal Polyposis of the Stomach (GAPPS); Polyposis, gastric, Dos Santos and de Magalhaes 1980. Identifiers: Orphanet 314022, MedGen C4749917, MONDO:0017790, OMIM 619182.
Desmoid disease, hereditary (DESMD). Also called: FIBROMATOSIS, FAMILIAL INFILTRATIVE. Identifiers: Orphanet 873, MedGen C1851124, OMIM 135290. Disease mechanism: loss of function.
Hepatocellular carcinoma (HCC). Also called: Primary carcinoma of liver; HEPATOMA; LIVER CELL CARCINOMA. Identifiers: Orphanet 88673, MedGen C2239176, MONDO:0007256, OMIM 114550, HP:0001402.
Gastric cancer. Also called: Malignant tumor of stomach; Stomach cancer. Identifiers: MedGen C0024623, MeSH D013274, MONDO:0001056, OMIM 613659, HP:0012126.
Colorectal cancer. Also called: Malignant Colorectal Neoplasm; Colorectal cancer, somatic. Identifiers: MedGen C0346629, MONDO:0005575, OMIM 114500.
Hereditary cancer-predisposing syndrome. Also called: Neoplastic Syndromes, Hereditary; Hereditary Cancer Syndrome; Hereditary neoplastic syndrome; Tumor predisposition. Identifiers: Orphanet 140162, MedGen C0027672, MeSH D009386, MONDO:0015356.

Submissions (6):

Myriad Genetics, Inc.
Classification: Pathogenic for Familial adenomatous polyposis 1. Last evaluated: 2023-05-03. Review status: criteria provided, single submitter. Criteria: Myriad Autosomal Dominant, Autosomal Recessive and X-Linked Classification Criteria (2023). Collection method: clinical testing. Allele origin: unknown.
Comment: This variant is considered pathogenic. This variant creates a termination codon and is predicted to result in premature protein truncation.

Ambry Genetics
Classification: Pathogenic for Hereditary cancer-predisposing syndrome. Last evaluated: 2020-06-11. Review status: criteria provided, single submitter. Criteria: Ambry Variant Classification Scheme 2023. Collection method: clinical testing. Allele origin: germline.
Comment: The p.W593* pathogenic mutation (also known as c.1779G>A), located in coding exon 14 of the APC gene, results from a G to A substitution at nucleotide position 1779. This changes the amino acid from a tryptophan to a stop codon within coding exon 14. This alteration was identified in 1/1164 unrelated German index patients with a clinical diagnosis of FAP or AFAP (Friedl W et al. Hered Cancer Clin Pract, 2005 Sep;3:95-114). This alteration was also detected in 1/150 FAP patients (Nagase H et al. Hum. Mutat., 1992;1:467-73). In addition to the clinical data presented in the literature, this alteration is expected to result in loss of function by premature protein truncation or nonsense-mediated mRNA decay. As such, this alteration is interpreted as a disease-causing mutation.

GeneKor MSA
Classification: Pathogenic for Hereditary cancer-predisposing syndrome. Last evaluated: 2020-01-01. Review status: criteria provided, single submitter. Criteria: ACMG Guidelines, 2015. Collection method: clinical testing. Allele origin: germline. Affected: yes.
Comment: This variant is a single amino acid change from Tryptophan to a premature translational stop signal at codon 593 of the APC protein. This is expected to result in an absent or disrupted protein product. Truncating variants In APC are known to be pathogenic. This variant has been described in the international literature in an individual undergoing panel testing for hereditary syndrome (PMID: 31159747). The mutation database ClinVar contains entries for this variant (Variation ID: 433627).

Labcorp Genetics (formerly Invitae), Labcorp
Classification: Pathogenic for Familial adenomatous polyposis 1. Last evaluated: 2019-02-13. Review status: criteria provided, single submitter. Criteria: Invitae Variant Classification Sherloc (09022015). Collection method: clinical testing. Allele origin: germline.
Comment: For these reasons, this variant has been classified as Pathogenic. Loss-of-function variants in APC are known to be pathogenic (PMID: 17963004, 20685668). This variant has been observed in an individual affected with familial adenomatous polyposis (PMID: 1338764). ClinVar contains an entry for this variant (Variation ID: 433627). This variant is not present in population databases (ExAC no frequency). This sequence change creates a premature translational stop signal (p.Trp593*) in the APC gene. It is expected to result in an absent or disrupted protein product.

Juno Genomics, Hangzhou Juno Genomics, Inc
Classification: Pathogenic for Familial adenomatous polyposis 1; Colorectal cancer; Desmoid disease, hereditary; Gastric adenocarcinoma and proximal polyposis of the stomach; Gastric cancer; Hepatocellular carcinoma. Review status: criteria provided, single submitter. Criteria: ACMG Guidelines, 2015. Collection method: clinical testing. Allele origin: germline. Affected: yes.
Comment: Absent from controls (or at extremely low frequency if recessive) in Genome Aggregation Database, Exome Sequencing Project, 1000 Genomes Project, or Exome Aggregation Consortium.;Null variant in a gene where loss of function (LOF) is a known mechanism of disease.;The prevalence of the variant in affected individuals is significantly increased compared to the prevalence in controls.

Department of Pathology and Laboratory Medicine, Sinai Health System
Classification: Uncertain significance. Review status: no assertion criteria provided. Collection method: clinical testing. Allele origin: unknown. Affected: yes. Observed: 1 variant allele. Study: The Canadian Open Genetics Repository (COGR). Not counted in ClinVar's aggregate classification.

Literature cited by the submitters: PubMed 1338764 (cited by Ambry Genetics and Labcorp Genetics (formerly Invitae), Labcorp); PubMed 20223039 (cited by Ambry Genetics); PubMed 17963004 (cited by Labcorp Genetics (formerly Invitae), Labcorp); PubMed 20685668 (cited by Labcorp Genetics (formerly Invitae), Labcorp).